The following is an entry in ClinVar:

ClinVar aggregate classification (germline): Uncertain significance (1 of 4 stars; one submission).

Conditions:
Hereditary cancer-predisposing syndrome. Also called: Tumor predisposition; Hereditary neoplastic syndrome; Neoplastic Syndromes, Hereditary; Hereditary Cancer Syndrome. Identifiers: Orphanet 140162, MedGen C0027672, MeSH D009386, MONDO:0015356.

Submission:

Ambry Genetics
Classification: Uncertain significance for Hereditary cancer-predisposing syndrome. Last evaluated: 2025-05-17. Review status: criteria provided, single submitter. Criteria: Ambry Variant Classification Scheme 2023. Collection method: clinical testing. Allele origin: germline.
Comment: The p.G939D variant (also known as c.2816G>A), located in coding exon 13 of the BLM gene, results from a G to A substitution at nucleotide position 2816. The glycine at codon 939 is replaced by aspartic acid, an amino acid with similar properties. This amino acid position is conserved. In addition, this alteration is predicted to be tolerated by in silico analysis. Based on the available evidence, the clinical significance of this variant remains unclear.

NM_000057.4(BLM):c.2816G>A (p.Gly939Asp)

Gene: BLM (BLM RecQ like helicase; plus strand). Cytogenetic location: 15q26.1.
Variant type: single nucleotide variant.
Coding change: c.2816G>A on transcript NM_000057.4 (MANE Select); coding-DNA position 2816, G replaced by A.
Protein change: p.Gly939Asp; replaces glycine 939 with aspartic acid.
Molecular consequence: missense variant.
Genome position (GRCh38, 1-based): chr15:90,785,074, G>A. VCF-style: chr15-90785074-G-A. GRCh37 (hg19) VCF-style: chr15-91328304-G-A.
Other names: c.2816G>A, p.Gly939Asp (NM_001287246.2, NM_001287247.2); c.1691G>A, p.Gly564Asp (NM_001287248.2); short protein forms G564D, G939D.
Identifiers: ClinVar variation 3991672 (VCV003991672.1).